The following is an entry in ClinVar:

NM_004977.3(KCNC3):c.474C>T (p.Cys158=)

Gene: KCNC3 (potassium voltage-gated channel subfamily C member 3; minus strand). Cytogenetic location: 19q13.33.
Variant type: single nucleotide variant.
Coding change: c.474C>T on transcript NM_004977.3 (MANE Select); coding-DNA position 474, C replaced by T.
Protein change: p.Cys158=; no amino-acid change (cysteine 158 retained).
Molecular consequence: synonymous variant.
Genome position (GRCh38, 1-based): chr19:50,328,609, G>A on the plus strand (C>T on the coding strand, the complement: KCNC3 is on the minus strand). VCF-style: chr19-50328609-G-A. GRCh37 (hg19) VCF-style: chr19-50831866-G-A.
Other names: c.246C>T, p.Cys82= (NM_001372305.1); c.474C>T (NM_004977.2).
Identifiers: ClinVar variation 1649000 (VCV001649000.10), dbSNP rs149504771, ClinGen allele CA9594376.

ClinVar aggregate classification (germline): Benign. Review status: criteria provided, single submitter (1 of 4 stars). 2 submissions from 2 submitters: Benign (1). 1 of the submissions does not count toward it. Last evaluated 2025-08-08.

Conditions:
KCNC3-related disorder. Also called: KCNC3-related condition.

Allele frequency attached by ClinVar (database versions not stated): gnomAD exomes 0.00003 and 0.00012; ExAC 0.00015; ESP Exome Variant Server 0.00031; TOPMed 0.00038; 1000 Genomes Project 0.00040; gnomAD 0.00044 and 0.00048; 1000 Genomes Project 30x 0.00047.
gnomAD v4.1: 118 of 1,611,464 alleles (0.0073%); highest among the groups gnomAD compares: African/African-American, 0.15%; no homozygotes.

Submissions (2):

Labcorp Genetics (formerly Invitae), Labcorp
Classification: Benign. Last evaluated: 2025-08-08. Review status: criteria provided, single submitter. Criteria: Invitae Variant Classification Sherloc (09022015). Collection method: clinical testing. Allele origin: germline.

PreventionGenetics, part of Exact Sciences
Classification: Likely benign for KCNC3-related condition. Last evaluated: 2019-03-01. Review status: no assertion criteria provided. Collection method: clinical testing. Allele origin: germline. Not counted in ClinVar's aggregate classification.
Comment: This variant is classified as likely benign based on ACMG/AMP sequence variant interpretation guidelines (Richards et al. 2015 PMID: 25741868, with internal and published modifications).